The following is an entry in ClinVar:

ClinVar aggregate classification (germline): Benign/Likely benign. Review status: criteria provided, multiple submitters, no conflicts (2 of 4 stars). 7 submissions from 7 submitters: Benign (6); Likely benign (1). Last evaluated 2026-01-29.

Conditions:
Connective tissue disorder. Also called: Connective tissue disease. Identifiers: MedGen C0009782, MONDO:0003900.
Atelosteogenesis type III. Also called: Atelosteogenesis Type 3 (FLNB-AO3). Identifiers: Orphanet 56305, MedGen C3668942, MONDO:0007168, OMIM 108721.
Atelosteogenesis type I. Also called: GIANT CELL CHONDRODYSPLASIA; Atelosteogenesis Type 1 (FLNB-AO1); SPONDYLOHUMEROFEMORAL HYPOPLASIA. Identifiers: Orphanet 1190, MedGen C0265283, MONDO:0007167, OMIM 108720.
Spondylocarpotarsal synostosis syndrome (SCT). Also called: Spondylocarpotarsal Synostosis Syndrome (FLNB-SCT); Synspondylism congenital; Scoliosis, congenital with unilateral unsegmented bar; SPONDYLOCARPOTARSAL SYNDROME; VERTEBRAL FUSION WITH CARPAL COALITION. Identifiers: Orphanet 3275, MedGen C1848934, MONDO:0010094, OMIM 272460.
Boomerang dysplasia. Identifiers: Orphanet 1263, MedGen C0432201, MONDO:0007208, OMIM 112310.
Larsen syndrome (LRS). Also called: Bilateral dislocation of the knees, pes cavus, cylindrically shaped fingers and characteristic facies; Larsen syndrome (FLNB-LS). Identifiers: Orphanet 503, MedGen C0175778, MONDO:0007875, OMIM 150250. Disease mechanism: loss of function.
FLNB-Related Spectrum Disorders.

Allele frequency attached by ClinVar (database versions not stated): ESP Exome Variant Server 0.00131; gnomAD 0.00259 and 0.00264; 1000 Genomes Project 0.00260; gnomAD exomes 0.00261 and 0.00673; 1000 Genomes Project 30x 0.00312; TOPMed 0.00489; ExAC 0.00516.
gnomAD v4.1: 4,153 of 1,614,070 alleles (0.26%); highest among the groups gnomAD compares: Admixed American, 3.3%; 51 homozygotes.

Submissions (7):

Labcorp Genetics (formerly Invitae), Labcorp
Classification: Benign. Last evaluated: 2026-01-29. Review status: criteria provided, single submitter. Criteria: Invitae Variant Classification Sherloc (09022015). Collection method: clinical testing. Allele origin: germline.

ARUP Laboratories, Molecular Genetics and Genomics, ARUP Laboratories
Classification: Benign. Last evaluated: 2024-12-20. Review status: criteria provided, single submitter. Criteria: ARUP Molecular Germline Variant Investigation Process 2024. Collection method: clinical testing. Allele origin: germline.

Genome Diagnostics Laboratory, The Hospital for Sick Children
Classification: Benign for Connective tissue disorder. Last evaluated: 2021-11-08. Review status: criteria provided, single submitter. Criteria: ACMG Guidelines, 2015. Collection method: clinical testing. Allele origin: germline.

Fulgent Genetics
Classification: Likely benign for Atelosteogenesis type I; Atelosteogenesis type III; Boomerang dysplasia; Larsen syndrome; Spondylocarpotarsal synostosis syndrome. Last evaluated: 2021-10-26. Review status: criteria provided, single submitter. Criteria: ACMG Guidelines, 2015. Collection method: clinical testing. Allele origin: unknown.

Illumina Laboratory Services, Illumina
Classification: Benign for FLNB-Related Spectrum Disorders. Last evaluated: 2018-01-12. Review status: criteria provided, single submitter. Criteria: ICSL Variant Classification Criteria 13 December 2019. Collection method: clinical testing. Allele origin: germline.
Comment: This variant was observed in the ICSL laboratory as part of a predisposition screen in an ostensibly healthy population. It had not been previously curated by ICSL or reported in the Human Gene Mutation Database (HGMD: prior to June 1st, 2018), and was therefore a candidate for classification through an automated scoring system. Utilizing variant allele frequency, disease prevalence and penetrance estimates, and inheritance mode, an automated score was calculated to assess if this variant is too frequent to cause the disease. Based on the score and internal cut-off values, a variant classified as benign is not then subjected to further curation. The score for this variant resulted in a classification of benign for this disease.

GeneDx
Classification: Benign. Last evaluated: 2017-04-13. Review status: criteria provided, single submitter. Criteria: GeneDx Variant Classification (06012015). Collection method: clinical testing. Allele origin: germline. Affected: yes.
Comment: This variant is considered likely benign or benign based on one or more of the following criteria: it is a conservative change, it occurs at a poorly conserved position in the protein, it is predicted to be benign by multiple in silico algorithms, and/or has population frequency not consistent with disease.

Breakthrough Genomics
Classification: Benign. Review status: criteria provided, single submitter. Criteria: ACMG Guidelines, 2015. Collection method: not provided. Allele origin: germline. Inheritance: Autosomal recessive inheritance. Affected: yes.

NM_001457.4(FLNB):c.5426-10G>A

Gene: FLNB (filamin B; plus strand). Cytogenetic location: 3p14.3.
Variant type: single nucleotide variant.
Coding change: c.5426-10G>A on transcript NM_001457.4 (MANE Select); 10 bases into the intron before coding-DNA position 5426, G replaced by A.
Molecular consequence: intron variant.
Genome position (GRCh38, 1-based): chr3:58,145,911, G>A. VCF-style: chr3-58145911-G-A. GRCh37 (hg19) VCF-style: chr3-58131638-G-A.
Other names: c.5519-10G>A (NM_001164317.2); c.5393-10G>A (NM_001164318.2); c.5354-10G>A (NM_001164319.2).
Identifiers: ClinVar variation 346350 (VCV000346350.29), dbSNP rs183917041, ClinGen allele CA2469072.